The following is an entry in ClinVar:

NM_000465.4(BARD1):c.209T>G (p.Phe70Cys)

Gene: BARD1 (BRCA1 associated RING domain 1; minus strand). Cytogenetic location: 2q35.
Variant type: single nucleotide variant.
Coding change: c.209T>G on transcript NM_000465.4 (MANE Select); coding-DNA position 209, T replaced by G.
Protein change: p.Phe70Cys; replaces phenylalanine 70 with cysteine.
Molecular consequence: missense variant. On other transcripts: non-coding transcript variant (2), intron variant (2).
Genome position (GRCh38, 1-based): chr2:214,797,067, A>C on the plus strand (T>G on the coding strand, the complement: BARD1 is on the minus strand). VCF-style: chr2-214797067-A-C. GRCh37 (hg19) VCF-style: chr2-215661791-A-C.
Other names: c.158+12345T>G (NM_001282548.2); c.159-4622T>G (NM_001282543.2); c.209T>G, p.Phe70Cys (NM_001282545.2, NM_001282549.2); short protein forms F70C.
Identifiers: ClinVar variation 1512004 (VCV001512004.9), dbSNP rs1695790654, ClinGen allele CA350462147.

ClinVar aggregate classification (germline): Uncertain significance (1 of 4 stars; one submission).

Conditions:
Familial cancer of breast. Also called: hereditary breast carcinoma; Hereditary breast cancer; BREAST CANCER, FAMILIAL. Identifiers: Orphanet 227535, MedGen C0346153, MONDO:0016419, OMIM 114480. Disease mechanism: loss of function.

Allele frequency attached by ClinVar (database versions not stated): TOPMed 0.00001.

Submission:

Labcorp Genetics (formerly Invitae), Labcorp
Classification: Uncertain significance for Familial cancer of breast. Last evaluated: 2022-10-27. Review status: criteria provided, single submitter. Criteria: Invitae Variant Classification Sherloc (09022015). Collection method: clinical testing. Allele origin: germline.
Comment: This variant has not been reported in the literature in individuals affected with BARD1-related conditions. This sequence change replaces phenylalanine, which is neutral and non-polar, with cysteine, which is neutral and slightly polar, at codon 70 of the BARD1 protein (p.Phe70Cys). This variant is not present in population databases (gnomAD no frequency). ClinVar contains an entry for this variant (Variation ID: 1512004). Algorithms developed to predict the effect of missense changes on protein structure and function (SIFT, PolyPhen-2, Align-GVGD) all suggest that this variant is likely to be disruptive. In summary, the available evidence is currently insufficient to determine the role of this variant in disease. Therefore, it has been classified as a Variant of Uncertain Significance.